The following is an entry in ClinVar:

ClinVar aggregate classification (germline): Likely benign (0 of 4 stars; one submission).

Conditions:
MYO16-related disorder. Also called: MYO16-related condition.

Allele frequency attached by ClinVar (database versions not stated): TOPMed 0.00001.
gnomAD v4.1: 2 of 1,314,538 alleles (0.00015%); highest among the groups gnomAD compares: African/African-American, 0.0016%; no homozygotes.

Submission:

PreventionGenetics, part of Exact Sciences
Classification: Likely benign for MYO16-related condition. Last evaluated: 2020-04-29. Review status: no assertion criteria provided. Collection method: clinical testing. Allele origin: germline.
Comment: This variant is classified as likely benign based on ACMG/AMP sequence variant interpretation guidelines (Richards et al. 2015 PMID: 25741868, with internal and published modifications).

NM_001198950.3(MYO16):c.4812G>T (p.Pro1604=)

Gene: MYO16 (myosin XVI; plus strand). Cytogenetic location: 13q33.3.
Variant type: single nucleotide variant.
Coding change: c.4812G>T on transcript NM_001198950.3 (MANE Select); coding-DNA position 4812, G replaced by T.
Protein change: p.Pro1604=; no amino-acid change (proline 1604 retained).
Molecular consequence: synonymous variant.
Genome position (GRCh38, 1-based): chr13:109,141,024, G>T. VCF-style: chr13-109141024-G-T. GRCh37 (hg19) VCF-style: chr13-109793372-G-T.
Other names: c.4746G>T, p.Pro1582= (NM_015011.3).
Identifiers: ClinVar variation 3053905 (VCV003053905.2), dbSNP rs1351941463, ClinGen allele CA484977903.